The following is an entry in ClinVar:

ClinVar aggregate classification (germline): Likely benign. Review status: criteria provided, multiple submitters, no conflicts (2 of 4 stars). 2 submissions from 2 submitters: Likely benign (2). Last evaluated 2023-10-27.

Conditions:
3-methylglutaconic aciduria, type VIIB (MGCA7B). Also called: 3-methylglutaconic aciduria, type VII, with cataracts, neurologic involvement and neutropenia; CLPB Deficiency; 3-methylglutaconic aciduria with cataracts, neurologic involvement and neutropenia. Identifiers: Orphanet 445038, MedGen C5676893, MONDO:0014561, OMIM 616271.

Allele frequency attached by ClinVar (database versions not stated): TOPMed below 0.00001; gnomAD exomes 0.00001.
gnomAD v4.1: 9 of 1,610,218 alleles (0.00056%); highest among the groups gnomAD compares: Non-Finnish European, 0.00076%; no homozygotes.

Submissions (2):

Labcorp Genetics (formerly Invitae), Labcorp
Classification: Likely benign for 3-methylglutaconic aciduria, type VIIB. Last evaluated: 2023-10-27. Review status: criteria provided, single submitter. Criteria: Invitae Variant Classification Sherloc (09022015). Collection method: clinical testing. Allele origin: germline.

GeneDx
Classification: Likely benign. Last evaluated: 2017-02-03. Review status: criteria provided, single submitter. Criteria: GeneDx Variant Classification (06012015). Collection method: clinical testing. Allele origin: germline. Affected: yes.
Comment: This variant is considered likely benign or benign based on one or more of the following criteria: it is a conservative change, it occurs at a poorly conserved position in the protein, it is predicted to be benign by multiple in silico algorithms, and/or has population frequency not consistent with disease.

NM_001258392.3(CLPB):c.776-5G>T

Gene: CLPB (ClpB family mitochondrial disaggregase; minus strand). Cytogenetic location: 11q13.4.
Variant type: single nucleotide variant.
Coding change: c.776-5G>T on transcript NM_001258392.3 (MANE Select); 5 bases into the intron before coding-DNA position 776, G replaced by T.
Molecular consequence: intron variant.
Genome position (GRCh38, 1-based): chr11:72,329,809, C>A on the plus strand (G>T on the coding strand, the complement: CLPB is on the minus strand). VCF-style: chr11-72329809-C-A. GRCh37 (hg19) VCF-style: chr11-72040853-C-A.
Other names: c.689-5G>T (NM_001258393.3); c.866-5G>T (NM_030813.6); c.731-5G>T (NM_001258394.3).
Identifiers: ClinVar variation 507085 (VCV000507085.4), dbSNP rs1253919639, ClinGen allele CA600087838.